The following is an entry in ClinVar:

NM_024757.5(EHMT1):c.1589G>A (p.Arg530Gln)

Genes: EHMT1 (euchromatic histone lysine methyltransferase 1; plus strand), LOC130003148 (ATAC-STARR-seq lymphoblastoid active region 29369; plus strand). Cytogenetic location: 9q34.3.
Variant type: single nucleotide variant.
Coding change: c.1589G>A on transcript NM_024757.5 (MANE Select); coding-DNA position 1589, G replaced by A.
Protein change: p.Arg530Gln; replaces arginine 530 with glutamine.
Molecular consequence: missense variant.
Genome position (GRCh38, 1-based): chr9:137,762,762, G>A. VCF-style: chr9-137762762-G-A. GRCh37 (hg19) VCF-style: chr9-140657214-G-A.
Other names: c.1589G>A, p.Arg530Gln (NM_001145527.2, NM_001354611.2); c.1496G>A, p.Arg499Gln (NM_001354259.2, NM_001354612.2); c.1568G>A, p.Arg523Gln (NM_001354263.2); short protein forms R499Q, R530Q, R523Q.
Identifiers: ClinVar variation 2896912 (VCV002896912.3), dbSNP rs1022225753, ClinGen allele CA201792953.

ClinVar aggregate classification (germline): Uncertain significance (1 of 4 stars; one submission).

Conditions:
Kleefstra syndrome 1 (KLEFS1). Identifiers: Orphanet 261494, MedGen C0795833, MONDO:0027407, OMIM 610253.

Allele frequency attached by ClinVar (database versions not stated): TOPMed 0.00001; gnomAD exomes below 0.00001; gnomAD 0.00001.
gnomAD v4.1: 7 of 1,614,084 alleles (0.00043%); highest among the groups gnomAD compares: East Asian, 0.0022%; no homozygotes.

Submission:

Labcorp Genetics (formerly Invitae), Labcorp
Classification: Uncertain significance for Kleefstra syndrome 1. Last evaluated: 2023-12-28. Review status: criteria provided, single submitter. Criteria: Invitae Variant Classification Sherloc (09022015). Collection method: clinical testing. Allele origin: germline.
Comment: This sequence change replaces arginine, which is basic and polar, with glutamine, which is neutral and polar, at codon 530 of the EHMT1 protein (p.Arg530Gln). This variant is present in population databases (no rsID available, gnomAD 0.0009%). This variant has not been reported in the literature in individuals affected with EHMT1-related conditions. Advanced modeling of protein sequence and biophysical properties (such as structural, functional, and spatial information, amino acid conservation, physicochemical variation, residue mobility, and thermodynamic stability) performed at Invitae indicates that this missense variant is not expected to disrupt EHMT1 protein function with a negative predictive value of 80%. In summary, the available evidence is currently insufficient to determine the role of this variant in disease. Therefore, it has been classified as a Variant of Uncertain Significance.